The following is an entry in ClinVar:

NM_025114.4(CEP290):c.3721A>T (p.Lys1241Ter)

Gene: CEP290 (centrosomal protein 290; minus strand). Cytogenetic location: 12q21.32.
Variant type: single nucleotide variant.
Coding change: c.3721A>T on transcript NM_025114.4 (MANE Select); coding-DNA position 3721, A replaced by T.
Protein change: p.Lys1241Ter; replaces lysine 1241 with a stop codon.
Molecular consequence: nonsense.
Genome position (GRCh38, 1-based): chr12:88,089,340, T>A on the plus strand (A>T on the coding strand, the complement: CEP290 is on the minus strand). VCF-style: chr12-88089340-T-A. GRCh37 (hg19) VCF-style: chr12-88483117-T-A.
Other names: short protein forms K1241*.
Identifiers: ClinVar variation 2033435 (VCV002033435.5), dbSNP rs2500113822, ClinGen allele CA386000850.
Genomic context (GRCh38, chr12:88,089,340, plus strand): 5'-TTGCTCTGTTTCTTCCCTCCAAACGAGCATAATAGAGAGCCTGTTCTTTTTCATCAAGTT[T>A]CTGCTCTAAGCGCAAGTTGTAGGCCTCCATCTTCTGCAGTTTAGATGTAATTGACTCCAA-3'

ClinVar aggregate classification (germline): Pathogenic/Likely pathogenic. Review status: criteria provided, multiple submitters, no conflicts (2 of 4 stars). 2 submissions from 2 submitters: Pathogenic (1); Likely pathogenic (1). Last evaluated 2024-03-12.

Conditions:
Joubert syndrome. Also called: CEREBELLOPARENCHYMAL DISORDER IV; JOUBERT-BOLTSHAUSER SYNDROME; Familial aplasia of the vermis. Identifiers: Orphanet 475, MedGen C5979921, MONDO:0018772.
Nephronophthisis. Also called: Juvenile Nephronophthisis. Identifiers: Orphanet 655, MedGen C0687120, MONDO:0019005, HP:0000090.
Meckel-Gruber syndrome. Also called: DYSENCEPHALIA SPLANCHNOCYSTICA; GRUBER SYNDROME; Dysencephalia splachnocystica. Identifiers: Orphanet 564, MedGen C0265215, MONDO:0018921.
Bardet-Biedl syndrome 14 (BBS14). Identifiers: Orphanet 110, MedGen C2673874, MONDO:0014442, OMIM 615991.

Submissions (2):

Baylor Genetics
Classification: Likely pathogenic for Bardet-Biedl syndrome 14. Last evaluated: 2024-03-12. Review status: criteria provided, single submitter. Criteria: ACMG Guidelines, 2015. Collection method: clinical testing. Allele origin: unknown.

Labcorp Genetics (formerly Invitae), Labcorp
Classification: Pathogenic for Joubert syndrome; Meckel-Gruber syndrome; Nephronophthisis. Last evaluated: 2023-06-05. Review status: criteria provided, single submitter. Criteria: Invitae Variant Classification Sherloc (09022015). Collection method: clinical testing. Allele origin: germline.
Comment: This sequence change creates a premature translational stop signal (p.Lys1241*) in the CEP290 gene. It is expected to result in an absent or disrupted protein product. Loss-of-function variants in CEP290 are known to be pathogenic (PMID: 16909394, 17345604, 20690115). This variant is not present in population databases (gnomAD no frequency). This variant has not been reported in the literature in individuals affected with CEP290-related conditions. ClinVar contains an entry for this variant (Variation ID: 2033435). For these reasons, this variant has been classified as Pathogenic.

Literature cited by the submitters: PubMed 16909394 (cited by Labcorp Genetics (formerly Invitae), Labcorp); PubMed 17345604 (cited by Labcorp Genetics (formerly Invitae), Labcorp); PubMed 20690115 (cited by Labcorp Genetics (formerly Invitae), Labcorp).